The following is an entry in ClinVar:

ClinVar aggregate classification (germline): Uncertain significance (1 of 4 stars; one submission).

Conditions:
Ataxia-telangiectasia syndrome (AT). Also called: Ataxia telangiectasia (A-T); LOUIS-BAR SYNDROME; Cerebello-oculocutaneous telangiectasia; Immunodeficiency with ataxia telangiectasia; Ataxia-telangiectasia, complementation group D; AT, COMPLEMENTATION GROUP C. Identifiers: Orphanet 100, MedGen C0004135, MONDO:0008840, OMIM 208900.

Submission:

Labcorp Genetics (formerly Invitae), Labcorp
Classification: Uncertain significance for Ataxia-telangiectasia syndrome. Last evaluated: 2016-11-20. Review status: criteria provided, single submitter. Criteria: Invitae Variant Classification Sherloc (09022015). Collection method: clinical testing. Allele origin: germline.
Comment: In summary, this variant is a novel missense change with uncertain impact on protein function. It has been classified as a Variant of Uncertain Significance. Algorithms developed to predict the effect of missense changes on protein structure and function (SIFT, PolyPhen-2, Align-GVGD) all suggest that this variant is likely to be disruptive, but these predictions have not been confirmed by published functional studies. This variant is not present in population databases (ExAC no frequency) and has not been reported in the literature in individuals with an ATM-related disease. This sequence change replaces tryptophan with cysteine at codon 524 of the ATM protein (p.Trp524Cys). The tryptophan residue is highly conserved and there is a large physicochemical difference between tryptophan and cysteine.

NM_000051.4(ATM):c.1572G>C (p.Trp524Cys)

Gene: ATM (ATM serine/threonine kinase; plus strand). Cytogenetic location: 11q22.3.
Variant type: single nucleotide variant.
Coding change: c.1572G>C on transcript NM_000051.4 (MANE Select); coding-DNA position 1572, G replaced by C.
Protein change: p.Trp524Cys; replaces tryptophan 524 with cysteine.
Molecular consequence: missense variant.
Genome position (GRCh38, 1-based): chr11:108,251,037, G>C. VCF-style: chr11-108251037-G-C. GRCh37 (hg19) VCF-style: chr11-108121764-G-C.
Other names: c.1572G>C, p.Trp524Cys (NM_001351834.2); short protein forms W524C.
Identifiers: ClinVar variation 407668 (VCV000407668.8), dbSNP rs1060501667, ClinGen allele CA16612991.
Genomic context (GRCh38, chr11:108,251,037, plus strand): 5'-CTTTGGCTTACTTGGAGCCATAATTCAGGGTAGTTTAGTTGAGGTTGACAGAGAATTCTG[G>C]AAGTTATTTACTGGGTCAGCCTGCAGACCTTCATGGTAAGTTCAGCATGCATTATGTCTG-3'
Protein context (NP_000042.3, residues 514-534): GSLVEVDREF[Trp524Cys]KLFTGSACRP